The following is an entry in ClinVar:

NM_207361.6(FREM2):c.3703C>G (p.His1235Asp)

Gene: FREM2 (FRAS1 related extracellular matrix 2; plus strand). Cytogenetic location: 13q13.3.
Variant type: single nucleotide variant.
Coding change: c.3703C>G on transcript NM_207361.6 (MANE Select); coding-DNA position 3703, C replaced by G.
Protein change: p.His1235Asp; replaces histidine 1235 with aspartic acid.
Molecular consequence: missense variant.
Genome position (GRCh38, 1-based): chr13:38,691,047, C>G. VCF-style: chr13-38691047-C-G. GRCh37 (hg19) VCF-style: chr13-39265184-C-G.
Other names: short protein forms H1235D.
Identifiers: ClinVar variation 2415452 (VCV002415452.3), dbSNP rs151214132, ClinGen allele CA6954836.

ClinVar aggregate classification (germline): Uncertain significance (1 of 4 stars; one submission).

Allele frequency attached by ClinVar (database versions not stated): TOPMed 0.00006; ExAC 0.00007; gnomAD 0.00008; ESP Exome Variant Server 0.00015.
gnomAD v4.1: 230 of 1,614,030 alleles (0.014%); highest among the groups gnomAD compares: Non-Finnish European, 0.019%; no homozygotes.

Submission:

Labcorp Genetics (formerly Invitae), Labcorp
Classification: Uncertain significance. Last evaluated: 2022-10-13. Review status: criteria provided, single submitter. Criteria: Invitae Variant Classification Sherloc (09022015). Collection method: clinical testing. Allele origin: germline.
Comment: This sequence change replaces histidine, which is basic and polar, with aspartic acid, which is acidic and polar, at codon 1235 of the FREM2 protein (p.His1235Asp). This variant is present in population databases (rs151214132, gnomAD 0.01%). This variant has not been reported in the literature in individuals affected with FREM2-related conditions. Advanced modeling of protein sequence and biophysical properties (such as structural, functional, and spatial information, amino acid conservation, physicochemical variation, residue mobility, and thermodynamic stability) performed at Invitae indicates that this missense variant is expected to disrupt FREM2 protein function. In summary, the available evidence is currently insufficient to determine the role of this variant in disease. Therefore, it has been classified as a Variant of Uncertain Significance.